The following is an entry in ClinVar:

NM_080916.3(DGUOK):c.591+1G>A

Gene: DGUOK (deoxyguanosine kinase; plus strand). Cytogenetic location: 2p13.1.
Variant type: single nucleotide variant.
Coding change: c.591+1G>A on transcript NM_080916.3 (MANE Select); the canonical splice donor site of the intron after coding-DNA position 591, G replaced by A.
Molecular consequence: splice donor variant. On other transcripts: intron variant (2).
Genome position (GRCh38, 1-based): chr2:73,950,733, G>A. VCF-style: chr2-73950733-G-A. GRCh37 (hg19) VCF-style: chr2-74177860-G-A.
Other names: c.300+1G>A (NM_001318861.2, NM_001318860.2); c.282+1G>A (NM_001318862.2, NM_001318863.2); c.443+3827G>A (NM_080918.3); c.425+3845G>A (NM_001318859.2).
Identifiers: ClinVar variation 2782336 (VCV002782336.3), dbSNP rs2467050151, ClinGen allele CA347300500.

ClinVar aggregate classification (germline): Likely pathogenic (1 of 4 stars; one submission).

gnomAD v4.1: 4 of 1,614,112 alleles (0.00025%); highest among the groups gnomAD compares: Non-Finnish European, 0.00034%; no homozygotes.

Submission:

Labcorp Genetics (formerly Invitae), Labcorp
Classification: Likely pathogenic. Last evaluated: 2023-11-12. Review status: criteria provided, single submitter. Criteria: Invitae Variant Classification Sherloc (09022015). Collection method: clinical testing. Allele origin: germline.
Comment: This sequence change affects a donor splice site in intron 4 of the DGUOK gene. It is expected to disrupt RNA splicing. Variants that disrupt the donor or acceptor splice site typically lead to a loss of protein function (PMID: 16199547), and loss-of-function variants in DGUOK are known to be pathogenic (PMID: 18205204). This variant is not present in population databases (gnomAD no frequency). This variant has not been reported in the literature in individuals affected with DGUOK-related conditions. Algorithms developed to predict the effect of sequence changes on RNA splicing suggest that this variant may disrupt the consensus splice site. In summary, the currently available evidence indicates that the variant is pathogenic, but additional data are needed to prove that conclusively. Therefore, this variant has been classified as Likely Pathogenic.

Literature cited by the submitters: PubMed 16199547; PubMed 18205204.